The following is an entry in ClinVar:

NC_000011.9:g.(?_2398780)_(2418096_?)del

Gene: CD81 (CD81 molecule; plus strand). Cytogenetic location: 11p15.5.
Variant type: Deletion.
Identifiers: ClinVar variation 3244759 (VCV003244759.1).

ClinVar aggregate classification (germline): Uncertain significance (1 of 4 stars; one submission).

Submission:

Labcorp Genetics (formerly Invitae), Labcorp
Classification: Uncertain significance. Last evaluated: 2023-07-09. Review status: criteria provided, single submitter. Criteria: Invitae Variant Classification Sherloc (09022015). Collection method: clinical testing. Allele origin: unknown.
Comment: A gross deletion of the genomic region encompassing the full coding sequence of the CD81 gene has been identified. The current clinical and genetic evidence is not sufficient to establish whether loss-of-function variants in CD81 cause disease. The boundaries of this event are unknown as they extend beyond the assayed region for this gene and therefore may encompass additional genes. This variant has not been reported in the literature in individuals affected with CD81-related conditions. In summary, the available evidence is currently insufficient to determine the role of this variant in disease. Therefore, it has been classified as a Variant of Uncertain Significance.